The following is an entry in ClinVar:

ClinVar aggregate classification (germline): Benign. Review status: criteria provided, multiple submitters, no conflicts (2 of 4 stars). 2 submissions from 2 submitters: Benign (2). Last evaluated 2018-06-16.

Allele frequency attached by ClinVar (database versions not stated): gnomAD exomes 0.01147; gnomAD 0.07433 and 0.07947; 1000 Genomes Project 0.08185; 1000 Genomes Project 30x 0.08491; TOPMed 0.08682.
gnomAD v4.1: 13,710 of 557,949 alleles (2.5%); highest among the groups gnomAD compares: African/African-American, 25%; 1,068 homozygotes.

Submissions (2):

GeneDx
Classification: Benign. Last evaluated: 2018-06-16. Review status: criteria provided, single submitter. Criteria: GeneDx Variant Classification (06012015). Collection method: clinical testing. Allele origin: germline. Affected: yes.
Comment: This variant is considered likely benign or benign based on one or more of the following criteria: it is a conservative change, it occurs at a poorly conserved position in the protein, it is predicted to be benign by multiple in silico algorithms, and/or has population frequency not consistent with disease.

Breakthrough Genomics
Classification: Benign. Review status: criteria provided, single submitter. Criteria: ACMG Guidelines, 2015. Collection method: not provided. Allele origin: germline. Inheritance: X-linked inheritance. Affected: yes.

NM_004006.3(DMD):c.9164-145A>G

Gene: DMD (dystrophin; minus strand). Cytogenetic location: Xp21.2.
Variant type: single nucleotide variant.
Coding change: c.9164-145A>G on transcript NM_004006.3 (MANE Select); 145 bases into the intron before coding-DNA position 9164, A replaced by G.
Molecular consequence: intron variant.
Genome position (GRCh38, 1-based): chrX:31,323,803, T>C on the plus strand (A>G on the coding strand, the complement: DMD is on the minus strand). VCF-style: chrX-31323803-T-C. GRCh37 (hg19) VCF-style: chrX-31341920-T-C.
Other names: c.9140-145A>G (NM_000109.4); c.5141-145A>G (NM_004011.4); c.5132-145A>G (NM_004012.4); c.1784-145A>G (NM_004023.3, NM_004020.4, NM_004022.3 and 2 more transcripts); c.977-145A>G (NM_004014.3); c.9152-145A>G (NM_004009.3); c.8795-145A>G (NM_004010.3).
Identifiers: ClinVar variation 672530 (VCV000672530.2), dbSNP rs7059188, ClinGen allele CA328418704.